The following is an entry in ClinVar:

ClinVar aggregate classification (germline): Uncertain significance. Review status: criteria provided, multiple submitters, no conflicts (2 of 4 stars). 2 submissions from 2 submitters: Uncertain significance (2). Last evaluated 2026-02-01.

Conditions:
Medium-chain acyl-coenzyme A dehydrogenase deficiency (ACADMD). Also called: ACADM DEFICIENCY; CARNITINE DEFICIENCY SECONDARY TO MEDIUM-CHAIN ACYL-CoA DEHYDROGENASE DEFICIENCY; MCADH DEFICIENCY; MCADD; Medium chain acyl-CoA dehydrogenase deficiency; MCAD Deficiency. Identifiers: Orphanet 42, MedGen C0220710, MONDO:0008721, OMIM 201450.

Allele frequency attached by ClinVar (database versions not stated): TOPMed below 0.00001; gnomAD 0.00001.
gnomAD v4.1: 1 of 1,613,756 alleles (0.000062%); highest among the groups gnomAD compares: East Asian, 0.0022%; no homozygotes.

Submissions (2):

Labcorp Genetics (formerly Invitae), Labcorp
Classification: Uncertain significance for Medium-chain acyl-coenzyme A dehydrogenase deficiency. Last evaluated: 2026-02-01. Review status: criteria provided, single submitter. Criteria: Invitae Variant Classification Sherloc (09022015). Collection method: clinical testing. Allele origin: germline.
Comment: This sequence change replaces methionine, which is neutral and non-polar, with threonine, which is neutral and polar, at codon 240 of the ACADM protein (p.Met240Thr). This variant is not present in population databases (gnomAD no frequency). This variant has not been reported in the literature in individuals affected with ACADM-related conditions. ClinVar contains an entry for this variant (Variation ID: 2438805). Invitae Evidence Modeling of protein sequence and biophysical properties (such as structural, functional, and spatial information, amino acid conservation, physicochemical variation, residue mobility, and thermodynamic stability) indicates that this missense variant is expected to disrupt ACADM protein function with a positive predictive value of 80%. In summary, the available evidence is currently insufficient to determine the role of this variant in disease. Therefore, it has been classified as a Variant of Uncertain Significance.

Revvity Omics, Revvity
Classification: Uncertain significance for Medium-chain acyl-coenzyme A dehydrogenase deficiency. Last evaluated: 2019-12-27. Review status: criteria provided, single submitter. Criteria: ACMG Guidelines, 2015. Collection method: clinical testing. Allele origin: germline.

NM_000016.6(ACADM):c.719T>C (p.Met240Thr)

Gene: ACADM (acyl-CoA dehydrogenase medium chain; plus strand). Cytogenetic location: 1p31.1.
Variant type: single nucleotide variant.
Coding change: c.719T>C on transcript NM_000016.6 (MANE Select); coding-DNA position 719, T replaced by C.
Protein change: p.Met240Thr; replaces methionine 240 with threonine.
Molecular consequence: missense variant.
Genome position (GRCh38, 1-based): chr1:75,749,429, T>C. VCF-style: chr1-75749429-T-C. GRCh37 (hg19) VCF-style: chr1-76215114-T-C.
Other names: c.731T>C, p.Met244Thr (NM_001127328.3); c.611T>C, p.Met204Thr (NM_001286042.2); c.818T>C, p.Met273Thr (NM_001286043.2); c.152T>C, p.Met51Thr (NM_001286044.2); short protein forms M204T, M240T, M244T, M273T, M51T.
Identifiers: ClinVar variation 2438805 (VCV002438805.4), dbSNP rs1648075610, ClinGen allele CA340816525.